The following is an entry in ClinVar:

ClinVar aggregate classification (germline): Conflicting classifications of pathogenicity. Review status: criteria provided, conflicting classifications (1 of 4 stars). 7 submissions from 7 submitters: Uncertain significance (5); Likely benign (1). 1 of the submissions does not count toward it. Last evaluated 2024-11-01.

Conditions:
Roberts-SC phocomelia syndrome (RBS). Also called: LONG BONE DEFICIENCIES ASSOCIATED WITH CLEFT LIP-PALATE; ESCO2 Spectrum Disorder; Hypomelia hypotrichosis facial hemangioma syndrome; Pseudothalidomide syndrome; Appelt-Gerken-Lenz syndrome. Identifiers: Orphanet 3103, MedGen C0392475, MONDO:0100253, OMIM 268300.
Juberg-Hayward syndrome (JHS). Also called: OROCRANIODIGITAL SYNDROME; Cleft lip/palate with abnormal thumbs and microcephaly. Identifiers: Orphanet 2319, MedGen C0796099, MONDO:0008992, OMIM 216100.
ESCO2-related disorder. Also called: ESCO2-related condition.

Allele frequency attached by ClinVar (database versions not stated): ExAC 0.00008; ESP Exome Variant Server 0.00008; gnomAD 0.00012; gnomAD exomes 0.00012; TOPMed 0.00013.
gnomAD v4.1: 139 of 1,601,386 alleles (0.0087%); highest among the groups gnomAD compares: Middle Eastern, 0.18%; no homozygotes.

Submissions (7):

Blueprint Genetics
Classification: Uncertain significance. Last evaluated: 2024-11-01. Review status: criteria provided, single submitter. Criteria: ACMG Guidelines, 2015. Collection method: clinical testing. Allele origin: germline.

3billion
Classification: Likely benign for Juberg-Hayward syndrome; Roberts-SC phocomelia syndrome. Last evaluated: 2024-09-20. Review status: criteria provided, single submitter. Criteria: ACMG Guidelines, 2015. Collection method: clinical testing. Allele origin: germline. Affected: no.
Comment: The homozygous variant was found in patients diagnosed with another variant in a different gene, with no symptoms related to the gene containing the homozygous variant.

Fulgent Genetics
Classification: Uncertain significance for Juberg-Hayward syndrome; Roberts-SC phocomelia syndrome. Last evaluated: 2024-01-25. Review status: criteria provided, single submitter. Criteria: ACMG Guidelines, 2015. Collection method: clinical testing. Allele origin: germline.

Labcorp Genetics (formerly Invitae), Labcorp
Classification: Uncertain significance. Last evaluated: 2022-06-13. Review status: criteria provided, single submitter. Criteria: Invitae Variant Classification Sherloc (09022015). Collection method: clinical testing. Allele origin: germline.
Comment: This sequence change replaces lysine, which is basic and polar, with threonine, which is neutral and polar, at codon 498 of the ESCO2 protein (p.Lys498Thr). This variant is present in population databases (rs143530690, gnomAD 0.1%). This variant has not been reported in the literature in individuals affected with ESCO2-related conditions. ClinVar contains an entry for this variant (Variation ID: 362741). Algorithms developed to predict the effect of missense changes on protein structure and function (SIFT, PolyPhen-2, Align-GVGD) all suggest that this variant is likely to be tolerated. In summary, the available evidence is currently insufficient to determine the role of this variant in disease. Therefore, it has been classified as a Variant of Uncertain Significance.

Department of Pathology and Laboratory Medicine, Sinai Health System
Classification: Uncertain significance for Juberg-Hayward syndrome; Roberts-SC phocomelia syndrome. Last evaluated: 2020-05-30. Review status: criteria provided, single submitter. Criteria: ACMG Guidelines, 2015. Collection method: research. Allele origin: germline.

Illumina Laboratory Services, Illumina
Classification: Uncertain significance for Roberts-SC phocomelia syndrome. Last evaluated: 2018-01-12. Review status: criteria provided, single submitter. Criteria: ICSL Variant Classification Criteria 13 December 2019. Collection method: clinical testing. Allele origin: germline.

PreventionGenetics, part of Exact Sciences
Classification: Likely benign for ESCO2-related condition. Last evaluated: 2024-06-04. Review status: no assertion criteria provided. Collection method: clinical testing. Allele origin: germline. Not counted in ClinVar's aggregate classification.
Comment: This variant is classified as likely benign based on ACMG/AMP sequence variant interpretation guidelines (Richards et al. 2015 PMID: 25741868, with internal and published modifications).

NM_001017420.3(ESCO2):c.1493A>C (p.Lys498Thr)

Gene: ESCO2 (establishment of sister chromatid cohesion N-acetyltransferase 2; plus strand). Cytogenetic location: 8p21.1.
Variant type: single nucleotide variant.
Coding change: c.1493A>C on transcript NM_001017420.3 (MANE Select); coding-DNA position 1493, A replaced by C.
Protein change: p.Lys498Thr; replaces lysine 498 with threonine.
Molecular consequence: missense variant.
Genome position (GRCh38, 1-based): chr8:27,792,807, A>C. VCF-style: chr8-27792807-A-C. GRCh37 (hg19) VCF-style: chr8-27650324-A-C.
Other names: short protein forms K498T.
Identifiers: ClinVar variation 362741 (VCV000362741.10), dbSNP rs143530690, ClinGen allele CA4692322.
Genomic context (GRCh38, chr8:27,792,807, plus strand): 5'-CTTTTCTTTTTATATCTGATGAAAAGAGAGTAGTTGGGTGTTTAATTGCAGAACCCATCA[A>C]ACAGGTATGGTATATTTGTTTTAAATTATTGGCATAATTTGCAGGCAAAATAAAGAAAAG-3'
Protein context (NP_001017420.1, residues 488-508): VVGCLIAEPI[Lys498Thr]QAFRVLSEPI